The following is an entry in ClinVar:

ClinVar aggregate classification (germline): Likely benign. Review status: criteria provided, single submitter (1 of 4 stars). 2 submissions from 2 submitters: Likely benign (1). 1 of the submissions does not count toward it. Last evaluated 2025-09-25.

Conditions:
Congenital myasthenic syndrome 8. Also called: MYASTHENIC SYNDROME, CONGENITAL, DUE TO AGRIN DEFICIENCY; Myasthenic syndrome, congenital, 8, with pre- and postsynaptic defects. Identifiers: Orphanet 590, MedGen C3808739, MONDO:0014052, OMIM 615120.
AGRN-related disorder. Also called: AGRN-related condition.

Allele frequency attached by ClinVar (database versions not stated): gnomAD exomes below 0.00001; ExAC 0.00001; gnomAD 0.00003; TOPMed 0.00005; 1000 Genomes Project 30x 0.00016; 1000 Genomes Project 0.00020.
gnomAD v4.1: 7 of 1,612,874 alleles (0.00043%); highest among the groups gnomAD compares: Admixed American, 0.005%; no homozygotes.

Submissions (2):

Labcorp Genetics (formerly Invitae), Labcorp
Classification: Likely benign for Congenital myasthenic syndrome 8. Last evaluated: 2025-09-25. Review status: criteria provided, single submitter. Criteria: Invitae Variant Classification Sherloc (09022015). Collection method: clinical testing. Allele origin: germline.

PreventionGenetics, part of Exact Sciences
Classification: Likely benign for AGRN-related condition. Last evaluated: 2019-02-20. Review status: no assertion criteria provided. Collection method: clinical testing. Allele origin: germline. Not counted in ClinVar's aggregate classification.
Comment: This variant is classified as likely benign based on ACMG/AMP sequence variant interpretation guidelines (Richards et al. 2015 PMID: 25741868, with internal and published modifications).

NM_198576.4(AGRN):c.3517-10C>T

Gene: AGRN (agrin; plus strand). Cytogenetic location: 1p36.33.
Variant type: single nucleotide variant.
Coding change: c.3517-10C>T on transcript NM_198576.4 (MANE Select); 10 bases into the intron before coding-DNA position 3517, C replaced by T.
Molecular consequence: intron variant.
Genome position (GRCh38, 1-based): chr1:1,047,563, C>T. VCF-style: chr1-1047563-C-T. GRCh37 (hg19) VCF-style: chr1-982943-C-T.
Other names: c.3517-10C>T (NM_001305275.2); c.3202-10C>T (NM_001364727.2).
Identifiers: ClinVar variation 3058391 (VCV003058391.3), dbSNP rs557496568, ClinGen allele CA509121.